The following is an entry in ClinVar:

NM_144643.4(SCLT1):c.433A>G (p.Thr145Ala)

Gene: SCLT1 (sodium channel and clathrin linker 1; minus strand). Cytogenetic location: 4q28.2.
Variant type: single nucleotide variant.
Coding change: c.433A>G on transcript NM_144643.4 (MANE Select); coding-DNA position 433, A replaced by G.
Protein change: p.Thr145Ala; replaces threonine 145 with alanine.
Molecular consequence: missense variant.
Genome position (GRCh38, 1-based): chr4:128,999,788, T>C on the plus strand (A>G on the coding strand, the complement: SCLT1 is on the minus strand). VCF-style: chr4-128999788-T-C. GRCh37 (hg19) VCF-style: chr4-129920943-T-C.
Other names: c.433A>G (NM_144643.2, NM_144643.3); short protein forms T145A.
Identifiers: ClinVar variation 1064021 (VCV001064021.7), dbSNP rs375430672, ClinGen allele CA3079943.

ClinVar aggregate classification (germline): Uncertain significance. Review status: criteria provided, multiple submitters, no conflicts (2 of 4 stars). 3 submissions from 3 submitters: Uncertain significance (2). 1 of the submissions does not count toward it. Last evaluated 2025-04-15.

Conditions:
SCLT1-related disorder. Also called: SCLT1-related condition.

Allele frequency attached by ClinVar (database versions not stated): ExAC 0.00003; ESP Exome Variant Server 0.00008; gnomAD exomes 0.00003; TOPMed 0.00003.
gnomAD v4.1: 70 of 1,594,812 alleles (0.0044%); highest among the groups gnomAD compares: Non-Finnish European, 0.0056%; no homozygotes.

Submissions (3):

Ambry Genetics
Classification: Uncertain significance. Last evaluated: 2025-04-15. Review status: criteria provided, single submitter. Criteria: Ambry Variant Classification Scheme 2023. Collection method: clinical testing. Allele origin: germline.

Labcorp Genetics (formerly Invitae), Labcorp
Classification: Uncertain significance. Last evaluated: 2022-10-24. Review status: criteria provided, single submitter. Criteria: Invitae Variant Classification Sherloc (09022015). Collection method: clinical testing. Allele origin: germline.
Comment: This sequence change replaces threonine, which is neutral and polar, with alanine, which is neutral and non-polar, at codon 145 of the SCLT1 protein (p.Thr145Ala). This variant is present in population databases (rs375430672, gnomAD 0.005%). This variant has not been reported in the literature in individuals affected with SCLT1-related conditions. ClinVar contains an entry for this variant (Variation ID: 1064021). Algorithms developed to predict the effect of missense changes on protein structure and function output the following: SIFT: "Tolerated"; PolyPhen-2: "Benign"; Align-GVGD: "Class C0". The alanine amino acid residue is found in multiple mammalian species, which suggests that this missense change does not adversely affect protein function. In summary, the available evidence is currently insufficient to determine the role of this variant in disease. Therefore, it has been classified as a Variant of Uncertain Significance.

PreventionGenetics, part of Exact Sciences
Classification: Uncertain significance for SCLT1-related condition. Last evaluated: 2024-08-14. Review status: no assertion criteria provided. Collection method: clinical testing. Allele origin: germline. Not counted in ClinVar's aggregate classification.
Comment: The SCLT1 c.433A>G variant is predicted to result in the amino acid substitution p.Thr145Ala. To our knowledge, this variant has not been reported in the literature. This variant is reported in 0.0046% of alleles in individuals of European (Non-Finnish) descent in gnomAD. At this time, the clinical significance of this variant is uncertain due to the absence of conclusive functional and genetic evidence.